The following is an entry in ClinVar:

ClinVar aggregate classification (germline): Uncertain significance (1 of 4 stars; one submission).

gnomAD v4.1: 1 of 1,613,504 alleles (0.000062%); highest among the groups gnomAD compares: Non-Finnish European, 0.000085%; no homozygotes.

Submission:

Women's Health and Genetics/Laboratory Corporation of America, LabCorp
Classification: Uncertain significance. Last evaluated: 2024-11-04. Review status: criteria provided, single submitter. Criteria: LabCorp Variant Classification Summary - May 2015. Collection method: clinical testing. Allele origin: germline.
Comment: Variant summary: CASR c.1976T>C (p.Leu659Pro) results in a non-conservative amino acid change in the encoded protein sequence. Four of five in-silico tools predict a damaging effect of the variant on protein function. The variant was absent in 251112 control chromosomes. The available data on variant occurrences in the general population are insufficient to allow any conclusion about variant significance. To our knowledge, no occurrence of c.1976T>C in individuals affected with Autosomal Dominant Hypocalcemia or other CASR-related disorders and no experimental evidence demonstrating its impact on protein function have been reported. No submitters have cited clinical-significance assessments for this variant to ClinVar. Based on the evidence outlined above, the variant was classified as uncertain significance.

NM_000388.4(CASR):c.1976T>C (p.Leu659Pro)

Gene: CASR (calcium sensing receptor; plus strand). Cytogenetic location: 3q21.1.
Variant type: single nucleotide variant.
Coding change: c.1976T>C on transcript NM_000388.4 (MANE Select); coding-DNA position 1976, T replaced by C.
Protein change: p.Leu659Pro; replaces leucine 659 with proline.
Molecular consequence: missense variant.
Genome position (GRCh38, 1-based): chr3:122,283,930, T>C. VCF-style: chr3-122283930-T-C. GRCh37 (hg19) VCF-style: chr3-122002777-T-C.
Other names: c.2006T>C, p.Leu669Pro (NM_001178065.2); short protein forms L659P, L669P.
Identifiers: ClinVar variation 3629849 (VCV003629849.1).